The following is an entry in ClinVar:

NM_173354.5(SIK1):c.1439G>A (p.Arg480His)

Gene: SIK1 (salt inducible kinase 1; minus strand). Cytogenetic location: 21q22.3.
Variant type: single nucleotide variant.
Coding change: c.1439G>A on transcript NM_173354.5 (MANE Select); coding-DNA position 1439, G replaced by A.
Protein change: p.Arg480His; replaces arginine 480 with histidine.
Molecular consequence: missense variant.
Genome position (GRCh38, 1-based): chr21:43,419,044, C>T on the plus strand (G>A on the coding strand, the complement: SIK1 is on the minus strand). VCF-style: chr21-43419044-C-T. GRCh37 (hg19) VCF-style: chr21-44838924-C-T.
Other names: short protein forms R480H.
Identifiers: ClinVar variation 855946 (VCV000855946.8), dbSNP rs1189551206, ClinGen allele CA410608006.

ClinVar aggregate classification (germline): Conflicting classifications of pathogenicity. Review status: criteria provided, conflicting classifications (1 of 4 stars). 2 submissions from 2 submitters: Uncertain significance (1); Likely benign (1). Last evaluated 2025-02-14.

Conditions:
Inborn genetic diseases. Identifiers: MedGen C0950123, MeSH D030342.
Developmental and epileptic encephalopathy, 30 (DEE30). Also called: Epileptic encephalopathy, early infantile, 30. Identifiers: MedGen C4225360, MONDO:0014595, OMIM 616341.

Submissions (2):

Ambry Genetics
Classification: Likely benign for Inborn genetic diseases. Last evaluated: 2025-02-14. Review status: criteria provided, single submitter. Criteria: Ambry Variant Classification Scheme 2023. Collection method: clinical testing. Allele origin: germline.

Labcorp Genetics (formerly Invitae), Labcorp
Classification: Uncertain significance for Developmental and epileptic encephalopathy, 30. Last evaluated: 2024-12-09. Review status: criteria provided, single submitter. Criteria: Invitae Variant Classification Sherloc (09022015). Collection method: clinical testing. Allele origin: germline.
Comment: This sequence change replaces arginine, which is basic and polar, with histidine, which is basic and polar, at codon 480 of the SIK1 protein (p.Arg480His). This variant is not present in population databases (gnomAD no frequency). This variant has not been reported in the literature in individuals affected with SIK1-related conditions. ClinVar contains an entry for this variant (Variation ID: 855946). Invitae Evidence Modeling of protein sequence and biophysical properties (such as structural, functional, and spatial information, amino acid conservation, physicochemical variation, residue mobility, and thermodynamic stability) indicates that this missense variant is not expected to disrupt SIK1 protein function with a negative predictive value of 95%. In summary, the available evidence is currently insufficient to determine the role of this variant in disease. Therefore, it has been classified as a Variant of Uncertain Significance.